The following is an entry in ClinVar:

ClinVar aggregate classification (germline): Benign. Review status: criteria provided, multiple submitters, no conflicts (2 of 4 stars). 4 submissions from 4 submitters: Benign (3). 1 of the submissions does not count toward it. Last evaluated 2022-03-24.

Conditions:
DNAJC3-related disorder. Also called: DNAJC3-related condition.

Allele frequency attached by ClinVar (database versions not stated): gnomAD exomes 0.00141 and 0.00398; ExAC 0.00513; ESP Exome Variant Server 0.01738; 1000 Genomes Project 30x 0.01874; gnomAD 0.01511 and 0.01615; TOPMed 0.01722; 1000 Genomes Project 0.01717.
gnomAD v4.1: 4,466 of 1,609,102 alleles (0.28%); highest among the groups gnomAD compares: African/African-American, 5.3%; 111 homozygotes.

Submissions (4):

Mayo Clinic Laboratories, Mayo Clinic
Classification: Benign. Last evaluated: 2022-03-24. Review status: criteria provided, single submitter. Criteria: ACMG Guidelines, 2015. Collection method: clinical testing. Allele origin: germline. Observed: 6 variant alleles.

Labcorp Genetics (formerly Invitae), Labcorp
Classification: Benign. Last evaluated: 2019-12-31. Review status: criteria provided, single submitter. Criteria: Invitae Variant Classification Sherloc (09022015). Collection method: clinical testing. Allele origin: germline.

Breakthrough Genomics
Classification: Benign. Review status: criteria provided, single submitter. Criteria: ACMG Guidelines, 2015. Collection method: not provided. Allele origin: germline. Inheritance: Autosomal recessive inheritance. Affected: yes.

PreventionGenetics, part of Exact Sciences
Classification: Benign for DNAJC3-related condition. Last evaluated: 2019-07-15. Review status: no assertion criteria provided. Collection method: clinical testing. Allele origin: germline. Not counted in ClinVar's aggregate classification.
Comment: This variant is classified as benign based on ACMG/AMP sequence variant interpretation guidelines (Richards et al. 2015 PMID: 25741868, with internal and published modifications).

NM_006260.5(DNAJC3):c.848+10T>C

Gene: DNAJC3 (DnaJ heat shock protein family (Hsp40) member C3; plus strand). Cytogenetic location: 13q32.1.
Variant type: single nucleotide variant.
Coding change: c.848+10T>C on transcript NM_006260.5 (MANE Select); 10 bases into the intron after coding-DNA position 848, T replaced by C.
Molecular consequence: intron variant.
Genome position (GRCh38, 1-based): chr13:95,760,808, T>C. VCF-style: chr13-95760808-T-C. GRCh37 (hg19) VCF-style: chr13-96413062-T-C.
Other names: p.?.
Identifiers: ClinVar variation 768623 (VCV000768623.8), dbSNP rs3087336, ClinGen allele CA7021454.
Genomic context (GRCh38, chr13:95,760,808, plus strand): 5'-GAAACTTAATAAGCTGATTGAGTCAGCTGAAGAGCTCATCAGAGATGGCAGGTGAGAATA[T>C]GGTTGTTCCAACTGTCCAGCCATTCCTTATGTGCGGGGCTGTGGGCACAAGTGAACTACA-3'